The following is an entry in ClinVar:

NM_000101.4(CYBA):c.401T>A (p.Ile134Asn)

Gene: CYBA (cytochrome b-245 alpha chain; minus strand). Cytogenetic location: 16q24.2.
Variant type: single nucleotide variant.
Coding change: c.401T>A on transcript NM_000101.4 (MANE Select); coding-DNA position 401, T replaced by A.
Protein change: p.Ile134Asn; replaces isoleucine 134 with asparagine.
Molecular consequence: missense variant.
Genome position (GRCh38, 1-based): chr16:88,643,540, A>T on the plus strand (T>A on the coding strand, the complement: CYBA is on the minus strand). VCF-style: chr16-88643540-A-T. GRCh37 (hg19) VCF-style: chr16-88709948-A-T.
Other names: short protein forms I134N.
Identifiers: ClinVar variation 1358656 (VCV001358656.8), dbSNP rs2142869976, ClinGen allele CA397057790.

ClinVar aggregate classification (germline): Uncertain significance (1 of 4 stars; one submission).

Conditions:
Granulomatous disease, chronic, autosomal recessive, cytochrome b-negative. Also called: CGD DUE TO DEFICIENCY OF THE ALPHA SUBUNIT OF CYTOCHROME b; CGD, AUTOSOMAL RECESSIVE CYTOCHROME b-NEGATIVE; CYBA DEFICIENCY; GRANULOMATOUS DISEASE, CHRONIC, AUTOSOMAL RECESSIVE, 4; Chronic granulomatous disease, autosomal, due to deficiency of CYBA. Identifiers: Orphanet 379, MedGen C1856255, MONDO:0009308, OMIM 233690.

Allele frequency attached by ClinVar (database versions not stated): gnomAD exomes below 0.00001.
gnomAD v4.1: 1 of 1,534,680 alleles (0.000065%); highest among the groups gnomAD compares: Non-Finnish European, 0.000087%; no homozygotes.

Submission:

Labcorp Genetics (formerly Invitae), Labcorp
Classification: Uncertain significance for Granulomatous disease, chronic, autosomal recessive, cytochrome b-negative. Last evaluated: 2020-12-22. Review status: criteria provided, single submitter. Criteria: Invitae Variant Classification Sherloc (09022015). Collection method: clinical testing. Allele origin: germline.
Comment: In summary, the available evidence is currently insufficient to determine the role of this variant in disease. Therefore, it has been classified as a Variant of Uncertain Significance. Algorithms developed to predict the effect of missense changes on protein structure and function are either unavailable or do not agree on the potential impact of this missense change (SIFT: "Deleterious"; PolyPhen-2: "Probably Damaging"; Align-GVGD: "Class C0"). This sequence change replaces isoleucine with asparagine at codon 134 of the CYBA protein (p.Ile134Asn). The isoleucine residue is highly conserved and there is a large physicochemical difference between isoleucine and asparagine. The frequency data for this variant in the population databases is considered unreliable, as metrics indicate insufficient coverage at this position in the ExAC database. This variant has not been reported in the literature in individuals with CYBA-related conditions.